The following is an entry in ClinVar:

ClinVar aggregate classification (germline): Uncertain significance. Review status: criteria provided, multiple submitters, no conflicts (2 of 4 stars). 2 submissions from 2 submitters: Uncertain significance (2). Last evaluated 2025-05-14.

Conditions:
Inborn genetic diseases. Identifiers: MedGen C0950123, MeSH D030342.

Allele frequency attached by ClinVar (database versions not stated): gnomAD exomes below 0.00001 and 0.00001; gnomAD 0.00001; TOPMed 0.00001.
gnomAD v4.1: 19 of 1,614,012 alleles (0.0012%); highest among the groups gnomAD compares: Non-Finnish European, 0.0016%; no homozygotes.

Submissions (2):

Ambry Genetics
Classification: Uncertain significance for Inborn genetic diseases. Last evaluated: 2025-05-14. Review status: criteria provided, single submitter. Criteria: Ambry Variant Classification Scheme 2023. Collection method: clinical testing. Allele origin: germline.

Labcorp Genetics (formerly Invitae), Labcorp
Classification: Uncertain significance. Last evaluated: 2024-11-30. Review status: criteria provided, single submitter. Criteria: Invitae Variant Classification Sherloc (09022015). Collection method: clinical testing. Allele origin: germline.
Comment: This sequence change replaces valine, which is neutral and non-polar, with methionine, which is neutral and non-polar, at codon 636 of the RIPK1 protein (p.Val636Met). This variant is present in population databases (no rsID available, gnomAD 0.0009%). This variant has not been reported in the literature in individuals affected with RIPK1-related conditions. ClinVar contains an entry for this variant (Variation ID: 1475021). An algorithm developed to predict the effect of missense changes on protein structure and function (PolyPhen-2) suggests that this variant is likely to be disruptive. In summary, the available evidence is currently insufficient to determine the role of this variant in disease. Therefore, it has been classified as a Variant of Uncertain Significance.

NM_001354930.2(RIPK1):c.1906G>A (p.Val636Met)

Gene: RIPK1 (receptor interacting serine/threonine kinase 1; plus strand). Cytogenetic location: 6p25.2.
Variant type: single nucleotide variant.
Coding change: c.1906G>A on transcript NM_001354930.2 (MANE Select); coding-DNA position 1906, G replaced by A.
Protein change: p.Val636Met; replaces valine 636 with methionine.
Molecular consequence: missense variant.
Genome position (GRCh38, 1-based): chr6:3,113,229, G>A. VCF-style: chr6-3113229-G-A. GRCh37 (hg19) VCF-style: chr6-3113463-G-A.
Other names: c.1417G>A, p.Val473Met (NM_001317061.3, NM_001354932.2, NM_001354933.2 and 1 more transcripts); c.1768G>A, p.Val590Met (NM_001354931.2); c.1906G>A, p.Val636Met (NM_003804.6); c.1906G>A (NM_003804.3); short protein forms V636M, V473M, V590M.
Identifiers: ClinVar variation 1475021 (VCV001475021.6), dbSNP rs1389538808, ClinGen allele CA362578514.
Genomic context (GRCh38, chr6:3,113,229, plus strand): 5'-GACCATGACTATGAGCGAGATGGACTGAAAGAAAAGGTTTACCAGATGCTCCAAAAGTGG[G>A]TGATGAGGGAAGGCATAAAGGGAGCCACGGTGGGGAAGCTGGCCCAGGCGCTCCACCAGT-3'
Protein context (NP_001341859.1, residues 626-646): EKVYQMLQKW[Val636Met]MREGIKGATV